The following is an entry in ClinVar:

ClinVar aggregate classification (germline): Benign/Likely benign. Review status: criteria provided, multiple submitters, no conflicts (2 of 4 stars). 4 submissions from 4 submitters: Benign (1); Likely benign (3). Last evaluated 2026-01-05.

Conditions:
Birt-Hogg-Dube syndrome 1 (BHD1). Also called: FIBROFOLLICULOMAS WITH TRICHODISCOMAS AND ACROCHORDONS. Identifiers: Orphanet 122, MedGen CN375946, MONDO:0800445, OMIM 135150.
FLCN-related disorder. Also called: FLCN-related condition.
Hereditary cancer-predisposing syndrome. Also called: Tumor predisposition; Hereditary neoplastic syndrome; Neoplastic Syndromes, Hereditary; Hereditary Cancer Syndrome. Identifiers: Orphanet 140162, MedGen C0027672, MeSH D009386, MONDO:0015356.
Birt-Hogg-Dube syndrome. Also called: Birt Hogg Dubé syndrome. Identifiers: Orphanet 122, MedGen C0346010, MONDO:0800444.

Allele frequency attached by ClinVar (database versions not stated): gnomAD exomes below 0.00001; TOPMed below 0.00001; gnomAD 0.00001.

Submissions (4):

Labcorp Genetics (formerly Invitae), Labcorp
Classification: Likely benign for Birt-Hogg-Dube syndrome. Last evaluated: 2026-01-05. Review status: criteria provided, single submitter. Criteria: Invitae Variant Classification Sherloc (09022015). Collection method: clinical testing. Allele origin: germline.

PreventionGenetics, part of Exact Sciences
Classification: Likely benign for FLCN-related condition. Last evaluated: 2025-03-10. Review status: criteria provided, single submitter. Criteria: ACMG Guidelines, 2015. Collection method: clinical testing. Allele origin: germline.
Comment: This variant is classified as likely benign based on ACMG/AMP sequence variant interpretation guidelines (Richards et al. 2015 PMID: 25741868, with internal and published modifications).

Myriad Genetics, Inc.
Classification: Benign for Birt-Hogg-Dube syndrome 1. Last evaluated: 2024-10-23. Review status: criteria provided, single submitter. Criteria: Myriad Autosomal Dominant, Autosomal Recessive and X-Linked Classification Criteria (2023). Collection method: clinical testing. Allele origin: unknown.
Comment: This variant is considered benign. This variant is a silent/synonymous amino acid change and it is not expected to impact splicing.

Ambry Genetics
Classification: Likely benign for Hereditary cancer-predisposing syndrome. Last evaluated: 2020-04-28. Review status: criteria provided, single submitter. Criteria: Ambry Variant Classification Scheme 2023. Collection method: clinical testing. Allele origin: germline.

NM_144997.7(FLCN):c.789G>A (p.Lys263=)

Gene: FLCN (folliculin; minus strand). Cytogenetic location: 17p11.2.
Variant type: single nucleotide variant.
Coding change: c.789G>A on transcript NM_144997.7 (MANE Select); coding-DNA position 789, G replaced by A.
Protein change: p.Lys263=; no amino-acid change (lysine 263 retained).
Molecular consequence: synonymous variant.
Genome position (GRCh38, 1-based): chr17:17,221,619, C>T on the plus strand (G>A on the coding strand, the complement: FLCN is on the minus strand). VCF-style: chr17-17221619-C-T. GRCh37 (hg19) VCF-style: chr17-17124933-C-T.
Other names: c.789G>A (LRG_325t1); c.843G>A, p.Lys281= (NM_001353229.2); c.789G>A, p.Lys263= (NM_001353230.2, NM_001353231.2, NM_144606.7).
Identifiers: ClinVar variation 460632 (VCV000460632.15), dbSNP rs1483962771, ClinGen allele CA498163771.